The following is an entry in ClinVar:

NM_018671.5(UNC45A):c.2187+3A>T

Gene: UNC45A (unc-45 myosin chaperone A; plus strand). Cytogenetic location: 15q26.1.
Variant type: single nucleotide variant.
Coding change: c.2187+3A>T on transcript NM_018671.5 (MANE Select); 3 bases into the intron after coding-DNA position 2187, A replaced by T.
Molecular consequence: intron variant.
Genome position (GRCh38, 1-based): chr15:90,950,270, A>T. VCF-style: chr15-90950270-A-T. GRCh37 (hg19) VCF-style: chr15-91493500-A-T.
Other names: c.2142+3A>T (NM_001039675.2, NM_001323621.2); c.2187+3A>T (NM_001323619.1); c.1752+3A>T (NM_001323620.2).
Identifiers: ClinVar variation 2166283 (VCV002166283.1), dbSNP rs756607205, ClinGen allele CA7743198.
Genomic context (GRCh38, chr15:90,950,270, plus strand): 5'-GGCCCTTGCCAAGCTCACCATCACCTCCAACCCGGAGATGACCTTCCCTGGCGAGCGGGT[A>T]CGTGTCTTCCTGCCCCGGCCTTTCCACTCCCTCTGTCCCTGATGGCCTGTGGGCTGGGCT-3'

ClinVar aggregate classification (germline): Uncertain significance (1 of 4 stars; one submission).

Allele frequency attached by ClinVar (database versions not stated): TOPMed 0.00001; gnomAD 0.00002; gnomAD exomes 0.00003; ExAC 0.00014.
gnomAD v4.1: 40 of 1,551,666 alleles (0.0026%); highest among the groups gnomAD compares: South Asian, 0.03%; no homozygotes.

Submission:

Labcorp Genetics (formerly Invitae), Labcorp
Classification: Uncertain significance. Last evaluated: 2022-06-05. Review status: criteria provided, single submitter. Criteria: Invitae Variant Classification Sherloc (09022015). Collection method: clinical testing. Allele origin: germline.
Comment: This sequence change falls in intron 16 of the UNC45A gene. It does not directly change the encoded amino acid sequence of the UNC45A protein. It affects a nucleotide within the consensus splice site. This variant is present in population databases (rs756607205, gnomAD 0.04%). This variant has not been reported in the literature in individuals affected with UNC45A-related conditions. Variants that disrupt the consensus splice site are a relatively common cause of aberrant splicing (PMID: 17576681, 9536098). Algorithms developed to predict the effect of sequence changes on RNA splicing suggest that this variant is not likely to affect RNA splicing. In summary, the available evidence is currently insufficient to determine the role of this variant in disease. Therefore, it has been classified as a Variant of Uncertain Significance.

Literature cited by the submitters: PubMed 17576681; PubMed 9536098.